The following is an entry in ClinVar:

ClinVar aggregate classification (germline): Uncertain significance (1 of 4 stars; one submission).

Conditions:
Inborn genetic diseases. Identifiers: MedGen C0950123, MeSH D030342.

Submission:

Ambry Genetics
Classification: Uncertain significance for Inborn genetic diseases. Last evaluated: 2025-07-25. Review status: criteria provided, single submitter. Criteria: Ambry Variant Classification Scheme 2023. Collection method: clinical testing. Allele origin: germline.
Comment: The p.G800C variant (also known as c.2398G>T), located in coding exon 19 of the DNMT3A gene, results from a G to T substitution at nucleotide position 2398. The glycine at codon 800 is replaced by cysteine, an amino acid with highly dissimilar properties. This amino acid position is conserved. In addition, this alteration is predicted to be deleterious by in silico analysis. Based on the available evidence, the clinical significance of this variant remains unclear.

NM_022552.5(DNMT3A):c.2398G>T (p.Gly800Cys)

Gene: DNMT3A (DNA methyltransferase 3 alpha; minus strand). Cytogenetic location: 2p23.3.
Variant type: single nucleotide variant.
Coding change: c.2398G>T on transcript NM_022552.5 (MANE Select); coding-DNA position 2398, G replaced by T.
Protein change: p.Gly800Cys; replaces glycine 800 with cysteine.
Molecular consequence: missense variant. On other transcripts: non-coding transcript variant (1).
Genome position (GRCh38, 1-based): chr2:25,239,140, C>A on the plus strand (G>T on the coding strand, the complement: DNMT3A is on the minus strand). VCF-style: chr2-25239140-C-A. GRCh37 (hg19) VCF-style: chr2-25462009-C-A.
Other names: c.1942G>T, p.Gly648Cys (NM_001320893.1); c.1729G>T, p.Gly577Cys (NM_001375819.1); c.1831G>T, p.Gly611Cys (NM_153759.3); c.2398G>T, p.Gly800Cys (NM_175629.2); short protein forms G611C, G648C, G800C, G577C.
Identifiers: ClinVar variation 4243604 (VCV004243604.1).
Genomic context (GRCh38, chr2:25,239,140, plus strand): 5'-CACCTGCAGTCCCAGCCCACAGCCCCCCAGGCCCAGGAGCTTTCACCAACCTGTTCATAC[C>A]GGGAAGGTTACCCCAGAAGTAGCGGGCCCTGTGTGCAGCTGACACTTCTTTGGCATCAAT-3'
Protein context (NP_072046.2, residues 790-810): RARYFWGNLP[Gly800Cys]MNRPLASTVN